The following is an entry in ClinVar:

ClinVar aggregate classification (germline): Uncertain significance (1 of 4 stars; one submission).

gnomAD v4.1: 2 of 1,597,576 alleles (0.00013%); highest among the groups gnomAD compares: Admixed American, 0.0018%; no homozygotes.

Submission:

Women's Health and Genetics/Laboratory Corporation of America, LabCorp
Classification: Uncertain significance. Last evaluated: 2024-07-09. Review status: criteria provided, single submitter. Criteria: LabCorp Variant Classification Summary - May 2015. Collection method: clinical testing. Allele origin: germline.
Comment: Variant summary: FBXO11 c.*5C>T is located in the untranslated mRNA region downstream of the termination codon. The variant allele was found at a frequency of 4.2e-06 in 235630 control chromosomes. The available data on variant occurrences in the general population are insufficient to allow any conclusion about variant significance. To our knowledge, no occurrence of c.*5C>T in individuals affected with Intellectual Developmental Disorder With Dysmorphic Facies And Behavioral Abnormalities and no experimental evidence demonstrating its impact on protein function have been reported. No submitters have cited clinical-significance assessments for this variant to ClinVar. Based on the evidence outlined above, the variant was classified as uncertain significance.

NM_001190274.2(FBXO11):c.*5C>T

Genes: FBXO11 (F-box protein 11; minus strand), MSH6 (mutS homolog 6; plus strand). Cytogenetic location: 2p16.3.
Variant type: single nucleotide variant.
Coding change: c.*5C>T on transcript NM_001190274.2 (MANE Select); 5 bases downstream of the stop codon, C replaced by T.
Molecular consequence: 3 prime UTR variant. On other transcripts: intron variant (6).
Genome position (GRCh38, 1-based): chr2:47,808,113, G>A on the plus strand (C>T on the coding strand, the complement: FBXO11 is on the minus strand). VCF-style: chr2-47808113-G-A. GRCh37 (hg19) VCF-style: chr2-48035252-G-A.
Other names: c.*5C>T (NM_001374325.1, NM_025133.4); c.*43+1210G>A (NM_001406809.1); c.*40+1213G>A (NM_001406796.1, NM_001406811.1, NM_001406805.1 and 2 more transcripts).
Identifiers: ClinVar variation 3338994 (VCV003338994.1).
Genomic context (GRCh38, chr2:47,808,113, plus strand): 5'-TCTTCCAAAAAAGTGTTTTAAGTTATGATGTTACAATGGCAGGACTTTTTCTTTAGGGAA[G>A]GAATTCAGTTGTGCTGCAATGTATTAGATTCTATAGGTGGAGCAGAGTCATATAGTGTAT-3'